The following is an entry in ClinVar:

ClinVar aggregate classification (germline): Uncertain significance (1 of 4 stars; one submission).

Conditions:
BAP1-related tumor predisposition syndrome (TPDS1). Also called: Tumor susceptibility linked to germline BAP1 mutations; COMMON Syndrome; TUMOR PREDISPOSITION SYNDROME 1; BAP1 tumor predisposition syndrome. Identifiers: Orphanet 289539, MedGen C3280492, MONDO:0013692, OMIM 614327.

Submission:

Labcorp Genetics (formerly Invitae), Labcorp
Classification: Uncertain significance for BAP1-related tumor predisposition syndrome. Last evaluated: 2022-03-14. Review status: criteria provided, single submitter. Criteria: Invitae Variant Classification Sherloc (09022015). Collection method: clinical testing. Allele origin: germline.
Comment: In summary, the available evidence is currently insufficient to determine the role of this variant in disease. Therefore, it has been classified as a Variant of Uncertain Significance. Algorithms developed to predict the effect of missense changes on protein structure and function (SIFT, PolyPhen-2, Align-GVGD) all suggest that this variant is likely to be tolerated. This variant has not been reported in the literature in individuals affected with BAP1-related conditions. This variant is not present in population databases (gnomAD no frequency). This sequence change replaces serine, which is neutral and polar, with threonine, which is neutral and polar, at codon 469 of the BAP1 protein (p.Ser469Thr).

NM_004656.4(BAP1):c.1406G>C (p.Ser469Thr)

Gene: BAP1 (BRCA1 associated deubiquitinase 1; minus strand). Cytogenetic location: 3p21.1.
Variant type: single nucleotide variant.
Coding change: c.1406G>C on transcript NM_004656.4 (MANE Select); coding-DNA position 1406, G replaced by C.
Protein change: p.Ser469Thr; replaces serine 469 with threonine.
Molecular consequence: missense variant.
Genome position (GRCh38, 1-based): chr3:52,403,739, C>G on the plus strand (G>C on the coding strand, the complement: BAP1 is on the minus strand). VCF-style: chr3-52403739-C-G. GRCh37 (hg19) VCF-style: chr3-52437755-C-G.
Other names: c.1352G>C, p.Ser451Thr (NM_001410772.1); short protein forms S451T, S469T.
Identifiers: ClinVar variation 2111846 (VCV002111846.4), dbSNP rs2471329343, ClinGen allele CA353101538.